The following is an entry in ClinVar:

ClinVar aggregate classification (germline): Pathogenic (1 of 4 stars; one submission).

Conditions:
Kabuki syndrome. Also called: Kabuki make-up syndrome; NIIKAWA-KUROKI SYNDROME. Identifiers: Orphanet 2322, MedGen C0796004, MONDO:0016512.

Submission:

Labcorp Genetics (formerly Invitae), Labcorp
Classification: Pathogenic for Kabuki syndrome. Last evaluated: 2025-11-21. Review status: criteria provided, single submitter. Criteria: Invitae Variant Classification Sherloc (09022015). Collection method: clinical testing. Allele origin: germline.
Comment: This sequence change creates a premature translational stop signal (p.Phe1768Serfs*17) in the KMT2D gene. It is expected to result in an absent or disrupted protein product. Loss-of-function variants in KMT2D are known to be pathogenic (PMID: 22126750). This variant is not present in population databases (gnomAD no frequency). This variant has not been reported in the literature in individuals affected with KMT2D-related conditions. For these reasons, this variant has been classified as Pathogenic.

Literature cited by the submitters: PubMed 22126750.

NM_003482.4(KMT2D):c.5303del (p.Phe1768fs)

Gene: KMT2D (lysine methyltransferase 2D; minus strand). Cytogenetic location: 12q13.12.
Variant type: Deletion.
Coding change: c.5303del on transcript NM_003482.4 (MANE Select); coding-DNA position 5303, one base deleted (T; older notation c.5303delT).
Protein change: p.Phe1768fs; shifts the reading frame from phenylalanine 1768.
Molecular consequence: frameshift variant.
Genome position (GRCh38, 1-based): chr12:49,043,884, A deleted on the plus strand (T on the coding strand, the reverse complement: KMT2D is on the minus strand); the first of 2 consecutive A bases (chr12:49,043,884-49,043,885); deleting either gives the same sequence. VCF-style (leftmost placement, unchanged base first): chr12-49043883-GA-G. GRCh37 (hg19) VCF-style: chr12-49437666-GA-G.
Other names: short protein forms F1768fs.
Identifiers: ClinVar variation 4731640 (VCV004731640.1).